The following is an entry in ClinVar:

ClinVar aggregate classification (germline): Uncertain significance (1 of 4 stars; one submission).

gnomAD v4.1: 7 of 1,610,922 alleles (0.00043%); highest among the groups gnomAD compares: African/African-American, 0.0053%; no homozygotes.

Submission:

Ambry Genetics
Classification: Uncertain significance. Last evaluated: 2025-04-08. Review status: criteria provided, single submitter. Criteria: Ambry Variant Classification Scheme 2023. Collection method: clinical testing. Allele origin: germline.
Comment: The p.S1271F variant (also known as c.3812C>T), located in coding exon 16 of the WNK2 gene, results from a C to T substitution at nucleotide position 3812. The serine at codon 1271 is replaced by phenylalanine, an amino acid with highly dissimilar properties. This amino acid position is conserved. In addition, the in silico prediction for this alteration is inconclusive. Based on the available evidence, the clinical significance of this variant remains unclear.

NM_006648.4(WNK2):c.3812C>T (p.Ser1271Phe)

Gene: WNK2 (WNK lysine deficient protein kinase 2; plus strand). Cytogenetic location: 9q22.31.
Variant type: single nucleotide variant.
Coding change: c.3812C>T on transcript NM_006648.4 (MANE Select); coding-DNA position 3812, C replaced by T.
Protein change: p.Ser1271Phe; replaces serine 1271 with phenylalanine.
Molecular consequence: missense variant.
Genome position (GRCh38, 1-based): chr9:93,267,861, C>T. VCF-style: chr9-93267861-C-T. GRCh37 (hg19) VCF-style: chr9-96030143-C-T.
Other names: c.3812C>T, p.Ser1271Phe (NM_001282394.3); short protein forms S1271F.
Identifiers: ClinVar variation 3981838 (VCV003981838.1).